The following is an entry in ClinVar:

ClinVar aggregate classification (germline): Uncertain significance (1 of 4 stars; one submission).

Allele frequency attached by ClinVar (database versions not stated): gnomAD exomes below 0.00001.
gnomAD v4.1: 1 of 1,612,148 alleles (0.000062%); highest among the groups gnomAD compares: Admixed American, 0.0017%; no homozygotes.

Submission:

Labcorp Genetics (formerly Invitae), Labcorp
Classification: Uncertain significance. Last evaluated: 2022-08-22. Review status: criteria provided, single submitter. Criteria: Invitae Variant Classification Sherloc (09022015). Collection method: clinical testing. Allele origin: germline.
Comment: This sequence change replaces isoleucine, which is neutral and non-polar, with threonine, which is neutral and polar, at codon 1000 of the KL protein (p.Ile1000Thr). This variant is present in population databases (no rsID available, gnomAD 0.003%). This variant has not been reported in the literature in individuals affected with KL-related conditions. Algorithms developed to predict the effect of missense changes on protein structure and function are either unavailable or do not agree on the potential impact of this missense change (SIFT: "Deleterious"; PolyPhen-2: "Benign"; Align-GVGD: "Class C0"). In summary, the available evidence is currently insufficient to determine the role of this variant in disease. Therefore, it has been classified as a Variant of Uncertain Significance.

NM_004795.4(KL):c.2999T>C (p.Ile1000Thr)

Gene: KL (klotho; plus strand). Cytogenetic location: 13q13.1.
Variant type: single nucleotide variant.
Coding change: c.2999T>C on transcript NM_004795.4 (MANE Select); coding-DNA position 2999, T replaced by C.
Protein change: p.Ile1000Thr; replaces isoleucine 1000 with threonine.
Molecular consequence: missense variant.
Genome position (GRCh38, 1-based): chr13:33,064,146, T>C. VCF-style: chr13-33064146-T-C. GRCh37 (hg19) VCF-style: chr13-33638283-T-C.
Other names: short protein forms I1000T.
Identifiers: ClinVar variation 1933211 (VCV001933211.5), dbSNP rs1189701761, ClinGen allele CA387800987.